The following is an entry in ClinVar:

NM_001608.4(ACADL):c.1199+9A>G

Gene: ACADL (acyl-CoA dehydrogenase long chain; minus strand). Cytogenetic location: 2q34.
Variant type: single nucleotide variant.
Coding change: c.1199+9A>G on transcript NM_001608.4 (MANE Select); 9 bases into the intron after coding-DNA position 1199, A replaced by G.
Molecular consequence: intron variant.
Genome position (GRCh38, 1-based): chr2:210,192,795, T>C on the plus strand (A>G on the coding strand, the complement: ACADL is on the minus strand). VCF-style: chr2-210192795-T-C. GRCh37 (hg19) VCF-style: chr2-211057519-T-C.
Identifiers: ClinVar variation 3051681 (VCV003051681.2), dbSNP rs915455110, ClinGen allele CA64692953.
Genomic context (GRCh38, chr2:210,192,795, plus strand): 5'-GTACAAAGTAAAGAAATTTTCCTTTTTCTTCACATCATAAAGAAGAGTGTATCAGAAAAC[T>C]ATACTTACTTTGCAATTGGGTACTCCCACATGTATCCCCAACCTCCATGGAGCTGTACAC-3'

ClinVar aggregate classification (germline): Likely benign (0 of 4 stars; one submission).

Conditions:
ACADL-related disorder. Also called: ACADL-related condition.

Allele frequency attached by ClinVar (database versions not stated): gnomAD 0.00001; TOPMed 0.00001; gnomAD exomes 0.00002.
gnomAD v4.1: 23 of 1,605,026 alleles (0.0014%); highest among the groups gnomAD compares: Non-Finnish European, 0.002%; no homozygotes.

Submission:

PreventionGenetics, part of Exact Sciences
Classification: Likely benign for ACADL-related condition. Last evaluated: 2022-05-24. Review status: no assertion criteria provided. Collection method: clinical testing. Allele origin: germline.
Comment: This variant is classified as likely benign based on ACMG/AMP sequence variant interpretation guidelines (Richards et al. 2015 PMID: 25741868, with internal and published modifications).